The following is an entry in ClinVar:

NM_000112.4(SLC26A2):c.931T>C (p.Cys311Arg)

Gene: SLC26A2 (solute carrier family 26 member 2; plus strand). Cytogenetic location: 5q32.
Variant type: single nucleotide variant.
Coding change: c.931T>C on transcript NM_000112.4 (MANE Select); coding-DNA position 931, T replaced by C.
Protein change: p.Cys311Arg; replaces cysteine 311 with arginine.
Molecular consequence: missense variant.
Genome position (GRCh38, 1-based): chr5:149,980,524, T>C. VCF-style: chr5-149980524-T-C. GRCh37 (hg19) VCF-style: chr5-149360087-T-C.
Other names: c.931T>C (NM_000112.3); short protein forms C311R.
Identifiers: ClinVar variation 809824 (VCV000809824.53), dbSNP rs377432261, ClinGen allele CA3505355.

ClinVar aggregate classification (germline): Conflicting classifications of pathogenicity. Review status: criteria provided, conflicting classifications (1 of 4 stars). 4 submissions from 4 submitters: Likely pathogenic (3); Uncertain significance (1). Last evaluated 2025-04-15.

Conditions:
Achondrogenesis, type IB (ACG1B). Also called: Achondrogenesis Type 1B. Identifiers: Orphanet 932, Orphanet 93298, MedGen C0265274, MONDO:0010966, OMIM 600972.
Diastrophic dysplasia (DTD). Also called: Diastrophic dwarfism. Identifiers: Orphanet 628, MedGen C0220726, MONDO:0009107, OMIM 222600.
Atelosteogenesis type II (AO2). Also called: SLC26A2-Related Atelosteogenesis; NEONATAL OSSEOUS DYSPLASIA I; Neonatal osseous dysplasia 1. Identifiers: Orphanet 56304, MedGen C1850554, MONDO:0009727, OMIM 256050.
Multiple epiphyseal dysplasia type 4 (EDM4). Also called: MULTIPLE EPIPHYSEAL DYSPLASIA WITH BILAYERED PATELLAE; MULTIPLE EPIPHYSEAL DYSPLASIA WITH CLUBFOOT; MULTIPLE EPIPHYSEAL DYSPLASIA, AUTOSOMAL RECESSIVE; SLC26A2-Related Multiple Epiphyseal Dysplasia; Multiple Epiphyseal Dysplasia, Recessive. Identifiers: Orphanet 93307, MedGen C1847593, MONDO:0009189, OMIM 226900.

Allele frequency attached by ClinVar (database versions not stated): gnomAD exomes below 0.00001; ExAC 0.00001; ESP Exome Variant Server 0.00008.
gnomAD v4.1: 4 of 1,614,188 alleles (0.00025%); highest among the groups gnomAD compares: Non-Finnish European, 0.00025%; no homozygotes.

Submissions (4):

Women's Health and Genetics/Laboratory Corporation of America, LabCorp
Classification: Uncertain significance. Last evaluated: 2025-04-15. Review status: criteria provided, single submitter. Criteria: LabCorp Variant Classification Summary - May 2015. Collection method: clinical testing. Allele origin: germline.
Comment: Variant summary: SLC26A2 c.931T>C (p.Cys311Arg) results in a non-conservative amino acid change in the encoded protein sequence. Five of five in-silico tools predict a damaging effect of the variant on protein function. The variant allele was found at a frequency of 4e-06 in 251254 control chromosomes. c.931T>C has been observed in individual(s) affected with Sulfate Transporter-Related Osteochondrodysplasia (Gabriel_2022, Invitae)). These data indicating that this variant may be associated with disease. To our knowledge, no experimental evidence demonstrating an impact on protein function has been reported. The following publications have been ascertained in the context of this evaluation (PMID: 34958143, 38702915). ClinVar contains an entry for this variant (Variation ID: 809824). Based on the evidence outlined above, the variant was classified as VUS-possibly pathogenic.

Labcorp Genetics (formerly Invitae), Labcorp
Classification: Likely pathogenic for Atelosteogenesis type II; Multiple epiphyseal dysplasia type 4; Achondrogenesis, type IB; Diastrophic dysplasia. Last evaluated: 2024-03-18. Review status: criteria provided, single submitter. Criteria: Invitae Variant Classification Sherloc (09022015). Collection method: clinical testing. Allele origin: germline.
Comment: This sequence change replaces cysteine, which is neutral and slightly polar, with arginine, which is basic and polar, at codon 311 of the SLC26A2 protein (p.Cys311Arg). This variant is present in population databases (rs377432261, gnomAD 0.0009%). This missense change has been observed in individual(s) with clinical features of diastrophic dysplasia (PMID: 34958143; Invitae). In at least one individual the data is consistent with being in trans (on the opposite chromosome) from a pathogenic variant. ClinVar contains an entry for this variant (Variation ID: 809824). Advanced modeling of protein sequence and biophysical properties (such as structural, functional, and spatial information, amino acid conservation, physicochemical variation, residue mobility, and thermodynamic stability) performed at Invitae indicates that this missense variant is expected to disrupt SLC26A2 protein function with a positive predictive value of 80%. In summary, the currently available evidence indicates that the variant is pathogenic, but additional data are needed to prove that conclusively. Therefore, this variant has been classified as Likely Pathogenic.

GeneDx
Classification: Likely pathogenic. Last evaluated: 2023-03-24. Review status: criteria provided, single submitter. Criteria: GeneDx Variant Classification Process June 2021. Collection method: clinical testing. Allele origin: germline. Affected: yes.
Comment: Not observed at significant frequency in large population cohorts (gnomAD); In silico analysis supports that this missense variant has a deleterious effect on protein structure/function; This variant is associated with the following publications: (PMID: 34958143)

CeGaT Center for Human Genetics Tuebingen
Classification: Likely pathogenic. Last evaluated: 2019-08-01. Review status: criteria provided, single submitter. Criteria: CeGaT Center For Human Genetics Tuebingen Variant Classification Criteria Version 2. Collection method: clinical testing. Allele origin: germline. Affected: yes. Observed: 4 variant alleles.

Literature cited by the submitters: PubMed 34958143 (cited by Women's Health and Genetics/Laboratory Corporation of America, LabCorp and Labcorp Genetics (formerly Invitae), Labcorp); PubMed 38702915 (cited by Women's Health and Genetics/Laboratory Corporation of America, LabCorp).